The following is an entry in ClinVar:

NM_001370466.1(NOD2):c.2099C>A (p.Pro700Gln)

Gene: NOD2 (nucleotide binding oligomerization domain containing 2; plus strand). Cytogenetic location: 16q12.1.
Variant type: single nucleotide variant.
Coding change: c.2099C>A on transcript NM_001370466.1 (MANE Select); coding-DNA position 2099, C replaced by A.
Protein change: p.Pro700Gln; replaces proline 700 with glutamine.
Molecular consequence: missense variant. On other transcripts: non-coding transcript variant (1).
Genome position (GRCh38, 1-based): chr16:50,712,091, C>A. VCF-style: chr16-50712091-C-A. GRCh37 (hg19) VCF-style: chr16-50746002-C-A.
Other names: c.2099C>A, p.Pro700Gln (NM_001293557.2); c.2180C>A, p.Pro727Gln (NM_022162.3); short protein forms P727Q, P700Q.
Identifiers: ClinVar variation 2095578 (VCV002095578.4), dbSNP rs104895489, ClinGen allele CA395871225.

ClinVar aggregate classification (germline): Uncertain significance (1 of 4 stars; one submission).

Conditions:
Regional enteritis. Also called: Enteritis, Granulomatous. Identifiers: MedGen C0678202, MeSH D003424.
Blau syndrome (BLAUS). Also called: ARTHROCUTANEOUVEAL GRANULOMATOSIS; GRANULOMATOSIS, FAMILIAL JUVENILE SYSTEMIC; GRANULOMATOSIS, FAMILIAL, BLAU TYPE; GRANULOMATOUS INFLAMMATORY ARTHRITIS, DERMATITIS, AND UVEITIS, FAMILIAL; JABS SYNDROME. Identifiers: Orphanet 90340, MedGen C5201146, MONDO:0008523, OMIM 186580.

gnomAD v4.1: 1 of 1,613,848 alleles (0.000062%); highest among the groups gnomAD compares: Non-Finnish European, 0.000085%; no homozygotes.

Submission:

Labcorp Genetics (formerly Invitae), Labcorp
Classification: Uncertain significance for Regional enteritis; Blau syndrome. Last evaluated: 2022-02-09. Review status: criteria provided, single submitter. Criteria: Invitae Variant Classification Sherloc (09022015). Collection method: clinical testing. Allele origin: germline.
Comment: This variant has not been reported in the literature in individuals affected with NOD2-related conditions. This sequence change replaces proline, which is neutral and non-polar, with glutamine, which is neutral and polar, at codon 727 of the NOD2 protein (p.Pro727Gln). This variant is not present in population databases (gnomAD no frequency). Advanced modeling of protein sequence and biophysical properties (such as structural, functional, and spatial information, amino acid conservation, physicochemical variation, residue mobility, and thermodynamic stability) performed at Invitae indicates that this missense variant is not expected to disrupt NOD2 protein function. In summary, the available evidence is currently insufficient to determine the role of this variant in disease. Therefore, it has been classified as a Variant of Uncertain Significance.